The following is an entry in ClinVar:

NM_000152.5(GAA):c.1552-3C>G

Gene: GAA (alpha glucosidase; plus strand). Cytogenetic location: 17q25.3.
Variant type: single nucleotide variant.
Coding change: c.1552-3C>G on transcript NM_000152.5 (MANE Select); 3 bases into the intron before coding-DNA position 1552, C replaced by G.
Molecular consequence: intron variant.
Genome position (GRCh38, 1-based): chr17:80,110,938, C>G. VCF-style: chr17-80110938-C-G. GRCh37 (hg19) VCF-style: chr17-78084737-C-G.
Other names: p.?; c.1552-3C>G (LRG_673t1, NM_000152.4, NM_001079803.3 and 1 more transcripts).
Identifiers: ClinVar variation 419722 (VCV000419722.79), dbSNP rs375470378, ClinGen allele CA8815383.

ClinVar aggregate classification (germline): Likely pathogenic. Review status: reviewed by expert panel (3 of 4 stars). 22 submissions from 22 submitters: Likely pathogenic (1). 21 of the submissions do not count toward it. Last evaluated 2026-04-24.

Conditions:
GAA-related disorders.
GAA-related disorder. Also called: GAA-related condition.
Cardiovascular phenotype. Identifiers: MedGen CN230736.
Glycogen storage disease, type II (IOPD). Also called: Glucosidase acid-1,4-alpha deficiency; Pompe Disease; POMPE DISEASE, INFANTILE-ONSET; GLYCOGEN STORAGE DISEASE II, INFANTILE-ONSET; ACID ALPHA-GLUCOSIDASE DEFICIENCY, INFANTILE-ONSET; GAA DEFICIENCY, INFANTILE-ONSET. Identifiers: Orphanet 365, MedGen C0017921, MONDO:0009290, OMIM 232300.

Allele frequency attached by ClinVar (database versions not stated): ESP Exome Variant Server 0.00008; gnomAD 0.00008; TOPMed 0.00010; ExAC 0.00012; gnomAD exomes 0.00014.
gnomAD v4.1: 164 of 1,613,840 alleles (0.01%); highest among the groups gnomAD compares: Non-Finnish European, 0.013%; no homozygotes.

Submissions 1 to 12 of 26:

ClinGen Lysosomal Storage Disorder Variant Curation Expert Panel
Classification: Likely pathogenic for Glycogen storage disease, type II. Last evaluated: 2026-04-24. Review status: reviewed by expert panel. Criteria: clingen_lsd_acmg_specifications_v2-1. Collection method: curation. Allele origin: germline. Inheritance: Autosomal recessive inheritance.
Comment: The NM_000152.5:c.1552-3C>G variant in GAA is an intronic variant which occurs within intron 10 and is predicted to impact splicing by disrupting the acceptor splice site (PP3). Experimental studies in fibroblasts from a patient that was homozygous for the variant demonstrated that the variant results in the full inclusion of intron 10, which is predicted to introduce a premature termination codon. However, there was some evidence of normal splicing (PMID 6838077, 25243733) (PS3_Moderate). At least 3 patients with Pompe disease have been reported with this variant including 2 patients with documented GAA deficiency (PP4_Moderate) (PMID 16838077, 28196920, 23430949). Of these patients, one is homozygous for the variant (PMID 16838077) and one is compound heterozygous for the variant and c.-32-13T>G, phase unknown (PMID 16838077) (PM3). The highest population minor allele frequency in v4.1.0 is 0.00013 (150/1179972 alleles) in the European (non-Finnish) population, which is lower than the ClinGen LD VCEP’s threshold for PM2_Supporting (<0.001), meeting this criterion (PM2_Supporting). There is a variant c.1522-2A>C at the same splice site with same predicted impact classified as pathogenic for Pompe disease by the ClinGen Lysosomal Diseases VCEP (Variation ID: 2440386) (PS1_Moderate). There is a ClinVar entry for this variant (Variation ID: 419722, 3 star review status) with 10 submitters classifying as likely pathogenic and 7 submitters classifying it as pathogenic. In summary, this variant meets the criteria to be classified as likely pathogenic for Pompe disease. GAA-specific ACMG/AMP criteria met, as specified by the ClinGen LD VCEP (Specifications Version 2.0): PM3, PS3_Moderate, PP4_Moderate, PP3, PS1_Moderate, PM2_Supporting. (Classification approved by the ClinGen Lysosomal Diseases Variant Curation Expert Panel on April 24, 2026).

Genomenon, Inc
Classification: Pathogenic for Glycogen storage disease, type II. Last evaluated: 2026-07-01. Review status: criteria provided, single submitter. Criteria: Genomenon Sequence Variant Interpretation Standards - Updated. Collection method: curation. Allele origin: germline. Affected: yes. Not counted in ClinVar's aggregate classification.
Comment: GAA c.1552-3C>G is an intronic variant located in the acceptor splice region of intron 10. This variant has been observed in at least one proband with a GAA-related disorder (PMID:33202836;28196920;16838077;25243733). At least one splicing study has demonstrated that this variant results in aberrant splicing (PMID:16838077;25243733). It is absent or not present at a significant frequency in gnomAD. In conclusion, we classify GAA c.1552-3C>G as a pathogenic variant.

GeneDx
Classification: Pathogenic. Last evaluated: 2026-03-13. Review status: criteria provided, single submitter. Criteria: GeneDx Variant Classification Process June 2021. Collection method: clinical testing. Allele origin: germline. Affected: yes. Not counted in ClinVar's aggregate classification.
Comment: RNA studies demonstrate a damaging effect; the c.1552-3 C>G variant causes aberrant gene splicing and reduced GAA expression (PMID: 16838077, 25243733); In silico analysis supports a deleterious effect on splicing; This variant is associated with the following publications: (PMID: 25525159, 16838077, 28196920, 34426522, 33202836, 23430949, 25243733, 34691145, 33717985, 35123877, 37670900, 27623443, 39678382, 40136631, 39033325)

CeGaT Center for Human Genetics Tuebingen
Classification: Pathogenic. Last evaluated: 2026-03-01. Review status: criteria provided, single submitter. Criteria: CeGaT Center For Human Genetics Tuebingen Variant Classification Criteria Version 2. Collection method: clinical testing. Allele origin: germline. Affected: yes. Observed: 3 variant alleles. Not counted in ClinVar's aggregate classification.
Comment: GAA: PVS1, PM2, PM3

Labcorp Genetics (formerly Invitae), Labcorp
Classification: Pathogenic for Glycogen storage disease, type II. Last evaluated: 2026-01-26. Review status: criteria provided, single submitter. Criteria: Invitae Variant Classification Sherloc (09022015). Collection method: clinical testing. Allele origin: germline. Not counted in ClinVar's aggregate classification.
Comment: This sequence change falls in intron 10 of the GAA gene. It does not directly change the encoded amino acid sequence of the GAA protein. RNA analysis indicates that this variant induces altered splicing and may result in an absent or altered protein product. This variant is present in population databases (rs375470378, gnomAD 0.03%). This variant has been observed in individual(s) with glycogen storage disease (PMID: 16838077, 23430949, 25243733, 28196920). ClinVar contains an entry for this variant (Variation ID: 419722). Variants that disrupt the consensus splice site are a relatively common cause of aberrant splicing (PMID: 17576681, 9536098). Studies have shown that this variant results in multiple aberrant transcripts, the most prominent of which (approximately 80% of total transcript pool) includes all of intron 10, and produces a non-functional protein and/or introduces a premature termination codon (PMID: 16838077, 25243733). For these reasons, this variant has been classified as Pathogenic.

Natera, Inc.
Classification: Likely pathogenic for Glycogen storage disease type II. Last evaluated: 2025-10-09. Review status: criteria provided, single submitter. Criteria: Natera Variant Classification Schema (03/2026). Collection method: clinical testing. Allele origin: germline. Not counted in ClinVar's aggregate classification.
Comment: The c.1552-3C>G variant in GAA is an intronic variant located outside the canonical splice sites. This variant is rare in the general population with a frequency below the threshold expected for the associated phenotype(s). This variant has been observed in one or more individuals affected with the associated recessive disease, as either homozygous or compound heterozygous with a second variant (PMID: 27623443, 16838077, 28196920). Functional studies show that this variant may disrupt protein function (PMID: 27623443, 16838077). Computational prediction algorithms indicate this variant is likely to affect gene or protein function. Given the available evidence, this variant is classified as Likely Pathogenic.

Mayo Clinic Laboratories, Mayo Clinic
Classification: Likely pathogenic. Last evaluated: 2025-09-11. Review status: criteria provided, single submitter. Criteria: ACMG Guidelines, 2015. Collection method: clinical testing. Allele origin: germline. Observed: 2 variant alleles. Not counted in ClinVar's aggregate classification.
Comment: PP3, PP4_moderate, PM2_supporting, PM3, PS3_supporting

Revvity Omics, Revvity
Classification: Likely pathogenic. Last evaluated: 2025-05-14. Review status: criteria provided, single submitter. Criteria: ACMG Guidelines, 2015. Collection method: clinical testing. Allele origin: germline. Not counted in ClinVar's aggregate classification.

PreventionGenetics, part of Exact Sciences
Classification: Likely pathogenic for GAA-related condition. Last evaluated: 2025-02-17. Review status: criteria provided, single submitter. Criteria: ACMG Guidelines, 2015. Collection method: clinical testing. Allele origin: germline. Not counted in ClinVar's aggregate classification.
Comment: The GAA c.1552-3C>G variant is predicted to interfere with splicing. This variant has been reported in the homozygous state in individuals with glycogen storage disease type II/ Pompe disease (Kroos et al. 2006. PubMed ID: 168380077; Bergsma et al. 2015. PubMed ID: 25243733; Wittmann et al. 2012. PubMed ID: 23430949). Functional studies also reveal that this variant results in aberrant splicing in over 90% of GAA transcripts, resulting in decreased GAA protein levels and reduced enzyme activity (Kroos et al 2006. PubMed ID: 168380777; Bergsma et al. 2015. PubMed ID: 25243733). This variant is reported in 0.027% of alleles in individuals of European (Non-Finnish) descent in gnomAD and is classified as likely pathogenic by the ClinGen Lysosomal Storage Disorder Variant Curation Expert Panel. This variant is interpreted as likely pathogenic.

Blueprint Genetics
Classification: Pathogenic for GAA-related disorders. Last evaluated: 2024-10-24. Review status: criteria provided, single submitter. Criteria: ACMG Guidelines, 2015. Collection method: clinical testing. Allele origin: germline. Affected: yes. Observed: 5 variant alleles. Not counted in ClinVar's aggregate classification.

Fulgent Genetics
Classification: Pathogenic for Glycogen storage disease, type II. Last evaluated: 2024-05-03. Review status: criteria provided, single submitter. Criteria: ACMG Guidelines, 2015. Collection method: clinical testing. Allele origin: germline. Not counted in ClinVar's aggregate classification.

Laboratory of Medical Genetics, National & Kapodistrian University of Athens
Classification: Pathogenic for Glycogen storage disease, type II. Last evaluated: 2024-02-01. Review status: criteria provided, single submitter. Criteria: ACMG Guidelines, 2015. Collection method: curation. Allele origin: germline. Affected: no. Not counted in ClinVar's aggregate classification.